The following is an entry in ClinVar:

NM_001605.3(AARS1):c.966T>A (p.Tyr322Ter)

Gene: AARS1 (alanyl-tRNA synthetase 1; minus strand). Cytogenetic location: 16q22.1.
Variant type: single nucleotide variant.
Coding change: c.966T>A on transcript NM_001605.3 (MANE Select); coding-DNA position 966, T replaced by A.
Protein change: p.Tyr322Ter; replaces tyrosine 322 with a stop codon.
Molecular consequence: nonsense.
Genome position (GRCh38, 1-based): chr16:70,268,376, A>T on the plus strand (T>A on the coding strand, the complement: AARS1 is on the minus strand). VCF-style: chr16-70268376-A-T. GRCh37 (hg19) VCF-style: chr16-70302279-A-T.
Other names: short protein forms Y322*.
Identifiers: ClinVar variation 2752216 (VCV002752216.3), dbSNP rs145859060, ClinGen allele CA396564291.
Genomic context (GRCh38, chr16:70,268,376, plus strand): 5'-GCTGGCATTGAGCTTTTCATGGGCGTATCGGACAGCTCGGCGGAGAATCCGTCTCAACAC[A>T]TATCTGTAAGAGGCAAAAACTAGTCCCCAACGTTCCCAGCTGAGGGTTTTGTCTTGAGTC-3'

ClinVar aggregate classification (germline): Pathogenic (1 of 4 stars; one submission).

Conditions:
Charcot-Marie-Tooth disease type 2. Also called: Charcot-Marie-Tooth type 2. Identifiers: Orphanet 64746, MedGen C0270914, MONDO:0018993.

Submission:

Labcorp Genetics (formerly Invitae), Labcorp
Classification: Pathogenic for Charcot-Marie-Tooth disease type 2. Last evaluated: 2023-08-11. Review status: criteria provided, single submitter. Criteria: Invitae Variant Classification Sherloc (09022015). Collection method: clinical testing. Allele origin: germline.
Comment: This sequence change creates a premature translational stop signal (p.Tyr322*) in the AARS gene. It is expected to result in an absent or disrupted protein product. Loss-of-function variants in AARS are known to be pathogenic (PMID: 25817015, 28493438, 34446925). This variant is not present in population databases (gnomAD no frequency). For these reasons, this variant has been classified as Pathogenic. This variant has not been reported in the literature in individuals affected with AARS-related conditions.

Literature cited by the submitters: PubMed 25817015; PubMed 28493438; PubMed 34446925.